The following is an entry in ClinVar:

ClinVar aggregate classification (germline): Conflicting classifications of pathogenicity. Review status: criteria provided, conflicting classifications (1 of 4 stars). 3 submissions from 3 submitters: Uncertain significance (2); Likely benign (1). Last evaluated 2025-12-01.

Conditions:
Inborn genetic diseases. Identifiers: MedGen C0950123, MeSH D030342.
Kufor-Rakeb syndrome (KRS). Also called: PARKINSON DISEASE 9, AUTOSOMAL RECESSIVE, JUVENILE-ONSET. Identifiers: Orphanet 306674, Orphanet 314632, MedGen C1847640, MONDO:0011706, OMIM 606693.
Autosomal recessive spastic paraplegia type 78. Identifiers: Orphanet 513436, MedGen C5567893, MONDO:0014975, OMIM 617225.

Allele frequency attached by ClinVar (database versions not stated): TOPMed 0.00006; gnomAD 0.00007; ESP Exome Variant Server 0.00008; gnomAD exomes 0.00009 and 0.00014; ExAC 0.00025.
gnomAD v4.1: 137 of 1,614,086 alleles (0.0085%); highest among the groups gnomAD compares: Non-Finnish European, 0.01%; no homozygotes.

Submissions (3):

Labcorp Genetics (formerly Invitae), Labcorp
Classification: Likely benign for Kufor-Rakeb syndrome; Autosomal recessive spastic paraplegia type 78. Last evaluated: 2025-12-01. Review status: criteria provided, single submitter. Criteria: Invitae Variant Classification Sherloc (09022015). Collection method: clinical testing. Allele origin: germline.

GeneDx
Classification: Uncertain significance. Last evaluated: 2024-07-12. Review status: criteria provided, single submitter. Criteria: GeneDx Variant Classification Process June 2021. Collection method: clinical testing. Allele origin: germline. Affected: yes.
Comment: In silico analysis indicates that this missense variant does not alter protein structure/function; Has not been previously published as pathogenic or benign to our knowledge

Ambry Genetics
Classification: Uncertain significance for Inborn genetic diseases. Last evaluated: 2018-03-29. Review status: criteria provided, single submitter. Criteria: Ambry Variant Classification Scheme 2023. Collection method: clinical testing. Allele origin: germline.
Comment: The p.R66H variant (also known as c.197G>A), located in coding exon 3 of the ATP13A2 gene, results from a G to A substitution at nucleotide position 197. The arginine at codon 66 is replaced by histidine, an amino acid with highly similar properties. This amino acid position is not well conserved in available vertebrate species, and histidine is the reference amino acid in other vertebrate species. In addition, this alteration is predicted to be tolerated by in silico analysis. Since supporting evidence is limited at this time, the clinical significance of this alteration remains unclear.

NM_022089.4(ATP13A2):c.197G>A (p.Arg66His)

Gene: ATP13A2 (ATPase cation transporting 13A2; minus strand). Cytogenetic location: 1p36.13.
Variant type: single nucleotide variant.
Coding change: c.197G>A on transcript NM_022089.4 (MANE Select); coding-DNA position 197, G replaced by A.
Protein change: p.Arg66His; replaces arginine 66 with histidine.
Molecular consequence: missense variant.
Genome position (GRCh38, 1-based): chr1:17,005,465, C>T on the plus strand (G>A on the coding strand, the complement: ATP13A2 is on the minus strand). VCF-style: chr1-17005465-C-T. GRCh37 (hg19) VCF-style: chr1-17331960-C-T.
Other names: c.197G>A, p.Arg66His (NM_001141973.3, NM_001141974.3); short protein forms R66H.
Identifiers: ClinVar variation 387935 (VCV000387935.13), dbSNP rs367745335, ClinGen allele CA637734.